The following is an entry in ClinVar:

ClinVar aggregate classification (germline): Pathogenic. Review status: criteria provided, multiple submitters, no conflicts (2 of 4 stars). 13 submissions from 13 submitters: Pathogenic (11). 2 of the submissions do not count toward it. Last evaluated 2026-09-08.

Conditions:
Cardiovascular phenotype. Identifiers: MedGen CN230736.
GLA-related disorder. Also called: GLA-related condition.
Fabry disease. Also called: Angiokeratoma corporis diffusum; Fabry's disease; ALPHA-GALACTOSIDASE A DEFICIENCY; ANDERSON-FABRY DISEASE; CERAMIDE TRIHEXOSIDASE DEFICIENCY; Ceramide trihexosidosis. Identifiers: Orphanet 324, MedGen C0002986, MONDO:0010526, OMIM 301500, HP:0001071. Disease mechanism: Fabry disease is due to inactivating mutations in the X-linked GLA gene resulting in deficiency of the enzyme Alpha Galactosidase-A., loss of function.

Submissions (13):

Genomenon, Inc
Classification: Pathogenic for Fabry disease. Last evaluated: 2026-09-08. Review status: criteria provided, single submitter. Criteria: Genomenon Sequence Variant Interpretation Standards - Updated. Collection method: curation. Allele origin: germline. Affected: yes.
Comment: GLA p.Arg220Ter (c.658C>T) is a nonsense variant that introduces a premature stop codon at amino acid position 220 and is predicted to result in a truncated or absent protein product. This variant has been observed in at least one proband with clinical features consistent with Fabry disease (PMID:7951217;37323223;23980562;30468909;33036343;38002959;17206462;40692291;36873653). The variant was found to segregate with disease in at least one affected family (PMID:7951217;37323223;23980562;30468909;33036343;36140787;17206462;40692291). A de novo occurrence of this variant has been observed in at least one affected individual (PMID:36873653). At least one functional study has demonstrated a substantial alteration in protein function relative to the wild-type (PMID:26415523). It is absent or not present at a significant frequency in gnomAD. In conclusion, we classify GLA p.Arg220Ter (c.658C>T) as a pathogenic variant.

PreventionGenetics, part of Exact Sciences
Classification: Pathogenic for GLA-related condition. Last evaluated: 2025-11-01. Review status: criteria provided, single submitter. Criteria: ACMG Guidelines, 2015. Collection method: clinical testing. Allele origin: germline.
Comment: The GLA c.658C>T variant is predicted to result in premature protein termination (p.Arg220*). This variant has been reported in multiple individuals with Fabry disease (see examples: Turaça et al. 2012. PubMed ID: 22551898; Meaney et al. 1994. PubMed ID: 7951217; Yoshida et al. 2020. PubMed ID: 32843101; Jääskeläinen et al. 2019. PubMed ID: 30775854). This variant has not been reported in a large population database (gnomAD), indicating this variant is rare. Nonsense variants in GLA are expected to be pathogenic. This variant is interpreted as pathogenic.

Ambry Genetics
Classification: Pathogenic for Cardiovascular phenotype. Last evaluated: 2025-05-06. Review status: criteria provided, single submitter. Criteria: Ambry Variant Classification Scheme 2023. Collection method: clinical testing. Allele origin: germline.
Comment: The p.R220* pathogenic mutation (also known as c.658C>T), located in coding exon 5 of the GLA gene, results from a C to T substitution at nucleotide position 658. This changes the amino acid from an arginine to a stop codon within coding exon 5. This variant was reported in individual(s) with features consistent with Fabry disease (Meaney C et al. Hum Mol Genet, 1994 Jun;3:1019-20; Mills K et al. J Inherit Metab Dis, 2005;28:35-48; Shin SH et al. Biochem Biophys Res Commun, 2007 Jul;359:168-73; Duro G et al. Int J Mol Sci, 2018 Nov;19; J&auml;&auml;skel&auml;inen P et al. ESC Heart Fail, 2019 Apr;6:436-445; Nampoothiri S et al. JIMD Rep, 2020 Nov;56:82-94; Yoshida S et al. Orphanet J Rare Dis, 2020 Aug;15:220; Ambry internal data). In an assay testing GLA function, this variant showed a functionally abnormal result (Shin SH et al. Biochem Biophys Res Commun, 2007 Jul;359:168-73). This variant is considered to be rare based on population cohorts in the Genome Aggregation Database (gnomAD). This alteration is expected to result in loss of function by premature protein truncation or nonsense-mediated mRNA decay. As such, this alteration is interpreted as a disease-causing mutation.

Victorian Clinical Genetics Services, Murdoch Childrens Research Institute
Classification: Pathogenic for Fabry disease. Last evaluated: 2025-02-14. Review status: criteria provided, single submitter. Criteria: ACMG Guidelines, 2015. Collection method: clinical testing. Allele origin: germline. Affected: yes.
Comment: This variant is classified as Pathogenic. Evidence in support of pathogenic classification: Variant is predicted to cause nonsense-mediated decay (NMD) and loss of protein (premature termination codon is located at least 54 nucleotides upstream of the final exon-exon junction); Variant is absent from gnomAD (v2, v3 and v4); This variant has strong previous evidence of pathogenicity in unrelated individuals. This variant has been classified as pathogenic by multiple clinical laboratories in ClinVar. It has also been reported in at least two individuals with classic Fabry disease (PMID: 39609713); Other NMD-predicted variant(s) comparable to the one identified in this case have very strong previous evidence for pathogenicity (DECIPHER). Additional information: This variant is heterozygous; This gene is associated with X-linked disease. Both males and females have been reported with Fabry disease; however, females are more rarely reported and tend to have milder disease (OMIM, PMID: 31613176); Loss of function and dominant negative are known mechanisms of disease in this gene and are associated with Fabry disease (MIM#301500). Loss of function is a known mechanism of disease in males. Females can be affected but with variable severity unexplained by skewed X-inactivation (PMID: 31613176), suggested to be due to the dominant negative mechanism of some variants. Truncating variants in the last exon have been reported with a dominant negative mechanism in females. Gain of function has also been suggested; however, more evidence is required (PMID: 8878432, 31613176).

Labcorp Genetics (formerly Invitae), Labcorp
Classification: Pathogenic for Fabry disease. Last evaluated: 2024-11-26. Review status: criteria provided, single submitter. Criteria: Invitae Variant Classification Sherloc (09022015). Collection method: clinical testing. Allele origin: germline.
Comment: This sequence change creates a premature translational stop signal (p.Arg220*) in the GLA gene. It is expected to result in an absent or disrupted protein product. Loss-of-function variants in GLA are known to be pathogenic (PMID: 10666480, 12175777). This variant is not present in population databases (gnomAD no frequency). This premature translational stop signal has been observed in individual(s) with Fabry disease (PMID: 7951217, 15702404, 23980562). ClinVar contains an entry for this variant (Variation ID: 167140). Algorithms developed to predict the effect of sequence changes on RNA splicing suggest that this variant may disrupt the consensus splice site. For these reasons, this variant has been classified as Pathogenic.

Revvity Omics, Revvity
Classification: Pathogenic. Last evaluated: 2024-11-13. Review status: criteria provided, single submitter. Criteria: ACMG Guidelines, 2015. Collection method: clinical testing. Allele origin: germline.

Blueprint Genetics
Classification: Pathogenic for GLA-related disorders. Last evaluated: 2022-07-08. Review status: criteria provided, single submitter. Criteria: ACMG Guidelines, 2015. Collection method: clinical testing. Allele origin: germline. Affected: yes. Observed: 1 variant allele.

Fulgent Genetics
Classification: Pathogenic for Fabry disease. Last evaluated: 2022-05-17. Review status: criteria provided, single submitter. Criteria: ACMG Guidelines, 2015. Collection method: clinical testing. Allele origin: unknown.

Genome-Nilou Lab
Classification: Pathogenic for Fabry disease. Last evaluated: 2021-07-15. Review status: criteria provided, single submitter. Criteria: ACMG Guidelines, 2015. Collection method: clinical testing. Allele origin: germline. Affected: no.

Women's Health and Genetics/Laboratory Corporation of America, LabCorp
Classification: Pathogenic for Fabry disease. Last evaluated: 2019-03-13. Review status: criteria provided, single submitter. Criteria: LabCorp Variant Classification Summary - May 2015. Collection method: clinical testing. Allele origin: germline.
Comment: Variant summary: GLA c.658C>T (p.Arg220X) results in a premature termination codon, predicted to cause a truncation of the encoded protein or absence of the protein due to nonsense mediated decay, which are commonly known mechanisms for disease. Truncations downstream of this position have been classified as pathogenic by our laboratory (eg. p.Arg227X, p.Lys240fsX9, p.Ile242fsX8). The variant was absent in 178788 control chromosomes. c.658C>T has been reported in the literature in multiple individuals affected with Fabry Disease (Germain_2002, Meaney_1994, Mills_2005, Ries_2005, Schafer_2005, Shin_2007) and is reported to be non-enhanceable by 1-deoxygalactonojirimycin (DGJ) (Shin_2007). These data indicate that the variant is very likely to be associated with disease. Two clinical diagnostic laboratories have submitted clinical-significance assessments for this variant to ClinVar after 2014 without evidence for independent evaluation. All laboratories classified the variant as pathogenic. Based on the evidence outlined above, the variant was classified as pathogenic.

Eurofins Ntd Llc (ga)
Classification: Pathogenic. Last evaluated: 2017-08-23. Review status: criteria provided, single submitter. Criteria: EGL Classification Definitions 2015. Collection method: clinical testing. Allele origin: germline. Observed: 2 variant alleles, 2 heterozygotes.

Clinical Genetics, Academic Medical Center
Classification: Pathogenic. Review status: no assertion criteria provided. Collection method: clinical testing. Allele origin: germline. Affected: yes. Study: VKGL Data-share Consensus. Not counted in ClinVar's aggregate classification.

Genome Diagnostics Laboratory, University Medical Center Utrecht
Classification: Pathogenic. Review status: no assertion criteria provided. Collection method: clinical testing. Allele origin: germline. Affected: yes. Study: VKGL Data-share Consensus. Not counted in ClinVar's aggregate classification.

Literature cited by the submitters: PubMed 7951217 (cited by 5 submitters); PubMed 37323223 (cited by Genomenon, Inc); PubMed 23980562 (cited by Genomenon, Inc and Labcorp Genetics (formerly Invitae), Labcorp); PubMed 30468909 (cited by Genomenon, Inc); PubMed 33036343 (cited by Genomenon, Inc); PubMed 38002959 (cited by Genomenon, Inc); PubMed 17206462 (cited by Genomenon, Inc); PubMed 40692291 (cited by Genomenon, Inc); PubMed 36873653 (cited by Genomenon, Inc); PubMed 36140787 (cited by Genomenon, Inc); PubMed 26415523 (cited by Genomenon, Inc); PubMed 15702404 (cited by 3 submitters); PubMed 17532296 (cited by Ambry Genetics and Women's Health and Genetics/Laboratory Corporation of America, LabCorp); PubMed 30477121 (cited by Ambry Genetics); PubMed 30775854 (cited by Ambry Genetics); PubMed 32843101 (cited by Ambry Genetics); PubMed 33204599 (cited by Ambry Genetics); PubMed 8878432 (cited by Victorian Clinical Genetics Services, Murdoch Childrens Research Institute); PubMed 39609713 (cited by Victorian Clinical Genetics Services, Murdoch Childrens Research Institute); PubMed 31613176 (cited by Victorian Clinical Genetics Services, Murdoch Childrens Research Institute); PubMed 10666480 (cited by Labcorp Genetics (formerly Invitae), Labcorp); PubMed 12175777 (cited by Labcorp Genetics (formerly Invitae), Labcorp); PubMed 15776423 (cited by Women's Health and Genetics/Laboratory Corporation of America, LabCorp); PubMed 15713906 (cited by Women's Health and Genetics/Laboratory Corporation of America, LabCorp); PubMed 12428061 (cited by Women's Health and Genetics/Laboratory Corporation of America, LabCorp).

NM_000169.3(GLA):c.658C>T (p.Arg220Ter)

Genes: GLA (galactosidase alpha; minus strand), RPL36A-HNRNPH2 (RPL36A-HNRNPH2 readthrough; plus strand). Cytogenetic location: Xq22.1.
Variant type: single nucleotide variant.
Coding change: c.658C>T on transcript NM_000169.3 (MANE Select); coding-DNA position 658, C replaced by T.
Protein change: p.Arg220Ter; replaces arginine 220 with a stop codon.
Molecular consequence: nonsense. On other transcripts: non-coding transcript variant (3), intron variant (2).
Genome position (GRCh38, 1-based): chrX:101,398,928, G>A on the plus strand (C>T on the coding strand, the complement: GLA is on the minus strand). VCF-style: chrX-101398928-G-A. GRCh37 (hg19) VCF-style: chrX-100653916-G-A.
Other names: NP_000160.1:p.Arg220*; c.781C>T, p.Arg261Ter (NM_001406747.1); c.658C>T, p.Arg220Ter (NM_001406748.1); c.300+3471G>A (NM_001199973.2); c.177+7106G>A (NM_001199974.2); short protein forms R220*, R261*.
Identifiers: ClinVar variation 167140 (VCV000167140.28), dbSNP rs727503949, ClinGen allele CA021936.